The following is an entry in ClinVar:

ClinVar aggregate classification (germline): Uncertain significance. Review status: criteria provided, multiple submitters, no conflicts (2 of 4 stars). 2 submissions from 2 submitters: Uncertain significance (2). Last evaluated 2022-08-23.

Conditions:
Retinitis pigmentosa 37 (RP37). Identifiers: Orphanet 791, MedGen C1970163, MONDO:0012625, OMIM 611131.
Enhanced S-cone syndrome (ESCS). Identifiers: Orphanet 53540, MedGen C1849394, MONDO:0100288, MONDO:0009989.

Allele frequency attached by ClinVar (database versions not stated): gnomAD 0.00001.

Submissions (2):

Labcorp Genetics (formerly Invitae), Labcorp
Classification: Uncertain significance. Last evaluated: 2022-08-23. Review status: criteria provided, single submitter. Criteria: Invitae Variant Classification Sherloc (09022015). Collection method: clinical testing. Allele origin: germline.
Comment: In summary, the available evidence is currently insufficient to determine the role of this variant in disease. Therefore, it has been classified as a Variant of Uncertain Significance. Experimental studies and prediction algorithms are not available or were not evaluated, and the functional significance of this variant is currently unknown. ClinVar contains an entry for this variant (Variation ID: 1348597). This variant has not been reported in the literature in individuals affected with NR2E3-related conditions. This variant is present in population databases (no rsID available, gnomAD 0.01%). This sequence change replaces serine, which is neutral and polar, with asparagine, which is neutral and polar, at codon 55 of the NR2E3 protein (p.Ser55Asn).

Fulgent Genetics
Classification: Uncertain significance for ENHANCED S-CONE SYNDROME 1; Retinitis pigmentosa 37. Last evaluated: 2021-07-06. Review status: criteria provided, single submitter. Criteria: ACMG Guidelines, 2015. Collection method: clinical testing. Allele origin: unknown.

NM_014249.4(NR2E3):c.164G>A (p.Ser55Asn)

Gene: NR2E3 (nuclear receptor subfamily 2 group E member 3; plus strand). Cytogenetic location: 15q23.
Variant type: single nucleotide variant.
Coding change: c.164G>A on transcript NM_014249.4 (MANE Select); coding-DNA position 164, G replaced by A.
Protein change: p.Ser55Asn; replaces serine 55 with asparagine.
Molecular consequence: missense variant.
Genome position (GRCh38, 1-based): chr15:71,811,528, G>A. VCF-style: chr15-71811528-G-A. GRCh37 (hg19) VCF-style: chr15-72103868-G-A.
Other names: c.164G>A, p.Ser55Asn (NM_016346.4); short protein forms S55N.
Identifiers: ClinVar variation 1348597 (VCV001348597.7), dbSNP rs1420894727, ClinGen allele CA393032023.
Genomic context (GRCh38, chr15:71,811,528, plus strand): 5'-CCCCCTGCCCCTCAGGCGTGAGCCCCTCGCTCCAGTGCCGCGTGTGCGGAGACAGCAGCA[G>A]CGGGAAGCACTATGGCATCTATGCCTGCAACGGCTGCAGCGGCTTCTTCAAGAGGAGCGT-3'
Protein context (NP_055064.1, residues 45-65): LQCRVCGDSS[Ser55Asn]GKHYGIYACN